The following is an entry in ClinVar:

ClinVar aggregate classification (germline): Uncertain significance (1 of 4 stars; one submission).

Conditions:
Hereditary cancer-predisposing syndrome. Also called: Neoplastic Syndromes, Hereditary; Tumor predisposition; Hereditary Cancer Syndrome; Hereditary neoplastic syndrome. Identifiers: Orphanet 140162, MedGen C0027672, MeSH D009386, MONDO:0015356.

Submission:

Ambry Genetics
Classification: Uncertain significance for Hereditary cancer-predisposing syndrome. Last evaluated: 2020-11-24. Review status: criteria provided, single submitter. Criteria: Ambry Variant Classification Scheme 2023. Collection method: clinical testing. Allele origin: germline.
Comment: The p.K568N variant (also known as c.1704A>C), located in coding exon 12 of the MSH3 gene, results from an A to C substitution at nucleotide position 1704. The lysine at codon 568 is replaced by asparagine, an amino acid with similar properties. This amino acid position is well conserved in available vertebrate species. In addition, this alteration is predicted to be tolerated by in silico analysis. Since supporting evidence is limited at this time, the clinical significance of this alteration remains unclear.

NM_002439.5(MSH3):c.1704A>C (p.Lys568Asn)

Gene: MSH3 (mutS homolog 3; plus strand). Cytogenetic location: 5q14.1.
Variant type: single nucleotide variant.
Coding change: c.1704A>C on transcript NM_002439.5 (MANE Select); coding-DNA position 1704, A replaced by C.
Protein change: p.Lys568Asn; replaces lysine 568 with asparagine.
Molecular consequence: missense variant.
Genome position (GRCh38, 1-based): chr5:80,744,556, A>C. VCF-style: chr5-80744556-A-C. GRCh37 (hg19) VCF-style: chr5-80040375-A-C.
Other names: short protein forms K568N.
Identifiers: ClinVar variation 1778402 (VCV001778402.2), dbSNP rs2546762055, ClinGen allele CA360274729.